The following is an entry in ClinVar:

NM_001042492.3(NF1):c.923C>G (p.Ala308Gly)

Gene: NF1 (neurofibromin 1; plus strand). Cytogenetic location: 17q11.2.
Variant type: single nucleotide variant.
Coding change: c.923C>G on transcript NM_001042492.3 (MANE Select); coding-DNA position 923, C replaced by G.
Protein change: p.Ala308Gly; replaces alanine 308 with glycine.
Molecular consequence: missense variant.
Genome position (GRCh38, 1-based): chr17:31,200,456, C>G. VCF-style: chr17-31200456-C-G. GRCh37 (hg19) VCF-style: chr17-29527474-C-G.
Other names: c.923C>G, p.Ala308Gly (NM_000267.4, NM_001128147.3); short protein forms A308G.
Identifiers: ClinVar variation 234079 (VCV000234079.16), dbSNP rs876660836, ClinGen allele CA10580205.

ClinVar aggregate classification (germline): Conflicting classifications of pathogenicity. Review status: criteria provided, conflicting classifications (1 of 4 stars). 7 submissions from 6 submitters: Uncertain significance (6); Benign (1). Last evaluated 2026-02-03.

Conditions:
Hereditary cancer-predisposing syndrome. Also called: Neoplastic Syndromes, Hereditary; Hereditary Cancer Syndrome; Tumor predisposition; Hereditary neoplastic syndrome. Identifiers: Orphanet 140162, MedGen C0027672, MeSH D009386, MONDO:0015356.
Cardiovascular phenotype. Identifiers: MedGen CN230736.
Neurofibromatosis, type 1 (NF1). Also called: Peripheral type neurofibromatosis; Neurofibromatosis, type I; VON RECKLINGHAUSEN DISEASE; NEUROFIBROMATOSIS, TYPE I, SOMATIC. Identifiers: Orphanet 636, MedGen C0027831, MONDO:0018975, OMIM 162200. Disease mechanism: loss of function.
Juvenile myelomonocytic leukemia (JMML). Also called: LEUKEMIA, JUVENILE MYELOMONOCYTIC, SOMATIC. Identifiers: Orphanet 86834, MedGen C0349639, MONDO:0011908, OMIM 607785, HP:0012209.

Allele frequency attached by ClinVar (database versions not stated): gnomAD exomes below 0.00001.
gnomAD v4.1: 1 of 1,614,094 alleles (0.000062%); highest among the groups gnomAD compares: Non-Finnish European, 0.000085%; no homozygotes.

Submissions (7):

Labcorp Genetics (formerly Invitae), Labcorp
Classification: Benign for Neurofibromatosis, type 1. Last evaluated: 2026-02-03. Review status: criteria provided, single submitter. Criteria: Invitae Variant Classification Sherloc (09022015). Collection method: clinical testing. Allele origin: germline.

Blueprint Genetics
Classification: Uncertain significance. Last evaluated: 2024-11-12. Review status: criteria provided, single submitter. Criteria: ACMG Guidelines, 2015. Collection method: clinical testing. Allele origin: germline.

Baylor Genetics
Classification: Uncertain significance for Juvenile myelomonocytic leukemia. Last evaluated: 2023-06-05. Review status: criteria provided, single submitter. Criteria: ACMG Guidelines, 2015. Collection method: clinical testing. Allele origin: unknown.

Genome-Nilou Lab
Classification: Uncertain significance for Neurofibromatosis, type 1. Last evaluated: 2022-03-15. Review status: criteria provided, single submitter. Criteria: ACMG Guidelines, 2015. Collection method: clinical testing. Allele origin: germline. Affected: no.

Ambry Genetics
Classification: Uncertain significance for Cardiovascular phenotype; Hereditary cancer-predisposing syndrome. Last evaluated: 2021-10-18. Review status: criteria provided, single submitter. Criteria: Ambry Variant Classification Scheme 2023. Collection method: clinical testing. Allele origin: germline.

GeneDx
Classification: Uncertain significance. Last evaluated: 2018-04-03. Review status: criteria provided, single submitter. Criteria: GeneDx Variant Classification (06012015). Collection method: clinical testing. Allele origin: germline. Affected: yes.
Comment: This variant is denoted NF1 c.923C>G at the cDNA level, p.Ala308Gly (A308G) at the protein level, and results in the change of an Alanine to a Glycine (GCT>GGT). This variant has not, to our knowledge, been published in the literature as pathogenic or benign. NF1 Ala308Gly was observed at an allele frequency of 0.001% (1/111,666) in individuals of European ancestry in large population cohorts (Lek 2016). This variant is not located in a known functional domain. In silico analysis, which includes protein predictors and evolutionary conservation, supports that this variant does not alter protein structure/function. Based on currently available evidence, it is unclear whether NF1 Ala308Gly is a pathogenic or benign variant. We consider it to be a variant of uncertain significance.

Ambry Genetics
Classification: Uncertain significance for Hereditary cancer-predisposing syndrome. Last evaluated: 2015-09-24. Review status: criteria provided, single submitter. Criteria: Ambry Autosomal Dominant and X-Linked criteria (10/2015). Collection method: clinical testing. Allele origin: germline. Observed: 1 variant allele.
Comment: The p.A308G variant (also known as c.923C>G), located in coding exon 9 of the NF1 gene, results from a C to G substitution at nucleotide position 923. The alanine at codon 308 is replaced by glycine, an amino acid with similar properties. This variant was not reported in population based cohorts in the following databases: Database of Single Nucleotide Polymorphisms (dbSNP), NHLBI Exome Sequencing Project (ESP), and 1000 Genomes Project. In the ESP, this variant was not observed in 6503 samples (13006 alleles) with coverage at this position. To date, this alteration has been detected with an allele frequency of approximately 0.002% (greater than55000alleles tested) in our clinical cohort.This amino acid position is well conserved in available vertebrate species. In addition, this alteration is predicted to be tolerated by in silico analysis.Since supporting evidence is limited at this time, the clinical significance of p.A308G remains unclear.